The following is an entry in ClinVar:

NM_182914.3(SYNE2):c.12113A>C (p.Glu4038Ala)

Gene: SYNE2 (spectrin repeat containing nuclear envelope protein 2; plus strand). Cytogenetic location: 14q23.2.
Variant type: single nucleotide variant.
Coding change: c.12113A>C on transcript NM_182914.3 (MANE Select); coding-DNA position 12113, A replaced by C.
Protein change: p.Glu4038Ala; replaces glutamic acid 4038 with alanine.
Molecular consequence: missense variant.
Genome position (GRCh38, 1-based): chr14:64,097,953, A>C. VCF-style: chr14-64097953-A-C. GRCh37 (hg19) VCF-style: chr14-64564671-A-C.
Other names: c.12113A>C, p.Glu4038Ala (NM_015180.6); short protein forms E4038A.
Identifiers: ClinVar variation 4729807 (VCV004729807.1).

ClinVar aggregate classification (germline): Uncertain significance (1 of 4 stars; one submission).

Conditions:
Emery-Dreifuss muscular dystrophy 5, autosomal dominant (EDMD5). Also called: EMERY-DREIFUSS MUSCULAR DYSTROPHY 5. Identifiers: Orphanet 261, MedGen C2751805, MONDO:0013072, OMIM 612999.

Submission:

Labcorp Genetics (formerly Invitae), Labcorp
Classification: Uncertain significance for Emery-Dreifuss muscular dystrophy 5, autosomal dominant. Last evaluated: 2025-10-24. Review status: criteria provided, single submitter. Criteria: Invitae Variant Classification Sherloc (09022015). Collection method: clinical testing. Allele origin: germline.
Comment: This sequence change replaces glutamic acid, which is acidic and polar, with alanine, which is neutral and non-polar, at codon 4038 of the SYNE2 protein (p.Glu4038Ala). This variant is not present in population databases (gnomAD no frequency). This variant has not been reported in the literature in individuals affected with SYNE2-related conditions. An algorithm developed to predict the effect of missense changes on protein structure and function (PolyPhen-2) suggests that this variant is likely to be disruptive. In summary, the available evidence is currently insufficient to determine the role of this variant in disease. Therefore, it has been classified as a Variant of Uncertain Significance.